The following is an entry in ClinVar:

NM_001199267.2(DGKZ):c.2761C>G (p.Arg921Gly)

Gene: DGKZ (diacylglycerol kinase zeta; plus strand). Cytogenetic location: 11p11.2.
Variant type: single nucleotide variant.
Coding change: c.2761C>G on transcript NM_001199267.2 (MANE Select); coding-DNA position 2761, C replaced by G.
Protein change: p.Arg921Gly; replaces arginine 921 with glycine.
Molecular consequence: missense variant.
Genome position (GRCh38, 1-based): chr11:46,379,921, C>G. VCF-style: chr11-46379921-C-G. GRCh37 (hg19) VCF-style: chr11-46401471-C-G.
Other names: c.2812C>G, p.Arg938Gly (NM_201532.3); c.2776C>G, p.Arg926Gly (NM_201533.3); c.3328C>G, p.Arg1110Gly (NM_001105540.2); c.2779C>G, p.Arg927Gly (NM_001199266.2); c.2695C>G, p.Arg899Gly (NM_001199268.2); c.2764C>G, p.Arg922Gly (NM_003646.4); c.3328C>G (NM_001105540.1); short protein forms R1110G, R926G, R921G, R927G, R899G, R922G, R938G.
Identifiers: ClinVar variation 1524587 (VCV001524587.7), dbSNP rs755519022, ClinGen allele CA5963417.

ClinVar aggregate classification (germline): Uncertain significance. Review status: criteria provided, multiple submitters, no conflicts (2 of 4 stars). 2 submissions from 2 submitters: Uncertain significance (2). Last evaluated 2024-11-24.

Allele frequency attached by ClinVar (database versions not stated): ExAC 0.00001.

Submissions (2):

Ambry Genetics
Classification: Uncertain significance. Last evaluated: 2024-11-24. Review status: criteria provided, single submitter. Criteria: Ambry Variant Classification Scheme 2023. Collection method: clinical testing. Allele origin: germline.

Labcorp Genetics (formerly Invitae), Labcorp
Classification: Uncertain significance. Last evaluated: 2022-06-27. Review status: criteria provided, single submitter. Criteria: Invitae Variant Classification Sherloc (09022015). Collection method: clinical testing. Allele origin: germline.
Comment: In summary, the available evidence is currently insufficient to determine the role of this variant in disease. Therefore, it has been classified as a Variant of Uncertain Significance. Algorithms developed to predict the effect of missense changes on protein structure and function are either unavailable or do not agree on the potential impact of this missense change (SIFT: "Tolerated"; PolyPhen-2: "Probably Damaging"; Align-GVGD: "Class C0"). This variant has not been reported in the literature in individuals affected with DGKZ-related conditions. This variant is present in population databases (rs755519022, gnomAD 0.001%). This sequence change replaces arginine, which is basic and polar, with glycine, which is neutral and non-polar, at codon 1110 of the DGKZ protein (p.Arg1110Gly).